The following is an entry in ClinVar:

NM_001018005.2(TPM1):c.614A>G (p.Lys205Arg)

Gene: TPM1 (tropomyosin 1; plus strand). Cytogenetic location: 15q22.2.
Variant type: single nucleotide variant.
Coding change: c.614A>G on transcript NM_001018005.2 (MANE Select); coding-DNA position 614, A replaced by G.
Protein change: p.Lys205Arg; replaces lysine 205 with arginine.
Molecular consequence: missense variant. On other transcripts: non-coding transcript variant (16), intron variant (21).
Genome position (GRCh38, 1-based): chr15:63,061,763, A>G. VCF-style: chr15-63061763-A-G. GRCh37 (hg19) VCF-style: chr15-63353962-A-G.
Other names: c.614A>G, p.Lys205Arg (NM_001018004.2, NM_001018007.2, NM_001301244.2 and 7 more transcripts); c.506A>G, p.Lys169Arg (NM_001018008.2, NM_001301289.2, NM_001330346.2 and 3 more transcripts); c.740A>G, p.Lys247Arg (NM_001365778.1, NM_001407324.1); c.640-452A>G (NM_001407336.1, NM_001018020.2, NM_001407326.1 and 10 more transcripts); c.766-452A>G (NM_001407323.1, NM_001407322.1); c.532-452A>G (NM_001330351.2, NM_001330344.2, NM_001365781.2 and 3 more transcripts); short protein forms K169R, K205R, K247R.
Identifiers: ClinVar variation 4883055 (VCV004883055.2).

ClinVar aggregate classification (germline): Uncertain significance (1 of 4 stars; one submission).

Conditions:
Hypertrophic cardiomyopathy 3. Also called: TPM1-Related Familial Hypertrophic Cardiomyopathy. Identifiers: MedGen C1861863, MONDO:0007267, OMIM 115196.

Submission:

Dasa
Classification: Uncertain significance for Hypertrophic cardiomyopathy 3. Last evaluated: 2025-11-03. Review status: criteria provided, single submitter. Criteria: DASA Assertion Criteria. Collection method: clinical testing. Allele origin: germline.
Comment: NM_001018005.2(TPM1):c.614A>G (p.Lys205Arg) is a missense variant that results in the substitution of lysine with arginine. The affected residue or protein region has prior evidence supporting clinical relevance. This variant is absent from population databases. Computational prediction algorithms are consistent with a deleterious effect. The currently available literature and clinical evidence are not sufficient to establish a definitive association between this variant and the reported condition. Therefore, this variant is classified as a variant of uncertain significance.